The following is an entry in ClinVar:

NM_006231.4(POLE):c.3098T>G (p.Ile1033Ser)

Gene: POLE (DNA polymerase epsilon, catalytic subunit; minus strand). Cytogenetic location: 12q24.33.
Variant type: single nucleotide variant.
Coding change: c.3098T>G on transcript NM_006231.4 (MANE Select); coding-DNA position 3098, T replaced by G.
Protein change: p.Ile1033Ser; replaces isoleucine 1033 with serine.
Molecular consequence: missense variant.
Genome position (GRCh38, 1-based): chr12:132,659,472, A>C on the plus strand (T>G on the coding strand, the complement: POLE is on the minus strand). VCF-style: chr12-132659472-A-C. GRCh37 (hg19) VCF-style: chr12-133236058-A-C.
Other names: short protein forms I1033S.
Identifiers: ClinVar variation 3680333 (VCV003680333.2).

ClinVar aggregate classification (germline): Uncertain significance (1 of 4 stars; one submission).

Submission:

Labcorp Genetics (formerly Invitae), Labcorp
Classification: Uncertain significance. Last evaluated: 2024-07-19. Review status: criteria provided, single submitter. Criteria: Invitae Variant Classification Sherloc (09022015). Collection method: clinical testing. Allele origin: germline.
Comment: This sequence change replaces isoleucine, which is neutral and non-polar, with serine, which is neutral and polar, at codon 1033 of the POLE protein (p.Ile1033Ser). This variant is not present in population databases (gnomAD no frequency). This variant has not been reported in the literature in individuals affected with POLE-related conditions. Advanced modeling of protein sequence and biophysical properties (such as structural, functional, and spatial information, amino acid conservation, physicochemical variation, residue mobility, and thermodynamic stability) performed at Invitae indicates that this missense variant is expected to disrupt POLE protein function with a positive predictive value of 80%. In summary, the available evidence is currently insufficient to determine the role of this variant in disease. Therefore, it has been classified as a Variant of Uncertain Significance.